The following is an entry in ClinVar:

ClinVar aggregate classification (germline): Uncertain significance (1 of 4 stars; one submission).

Submission:

GeneDx
Classification: Uncertain significance. Last evaluated: 2021-01-07. Review status: criteria provided, single submitter. Criteria: GeneDx Variant Classification Process June 2021. Collection method: clinical testing. Allele origin: germline. Affected: yes.
Comment: Not observed in large population cohorts (Lek et al., 2016); In silico analysis supports that this missense variant has a deleterious effect on protein structure/function; Has not been previously published as pathogenic or benign to our knowledge

NM_021728.4(OTX2):c.512C>G (p.Pro171Arg)

Gene: OTX2 (orthodenticle homeobox 2; minus strand). Cytogenetic location: 14q22.3.
Variant type: single nucleotide variant.
Coding change: c.512C>G on transcript NM_021728.4 (MANE Select); coding-DNA position 512, C replaced by G.
Protein change: p.Pro171Arg; replaces proline 171 with arginine.
Molecular consequence: missense variant. On other transcripts: non-coding transcript variant (2).
Genome position (GRCh38, 1-based): chr14:56,802,117, G>C on the plus strand (C>G on the coding strand, the complement: OTX2 is on the minus strand). VCF-style: chr14-56802117-G-C. GRCh37 (hg19) VCF-style: chr14-57268835-G-C.
Other names: c.488C>G, p.Pro163Arg (NM_001270523.2, NM_001270524.2, NM_172337.3); c.512C>G, p.Pro171Arg (NM_001270525.2); short protein forms P163R, P171R.
Identifiers: ClinVar variation 1203756 (VCV001203756.3), dbSNP rs2139528655, ClinGen allele CA390051709.